The following is an entry in ClinVar:

ClinVar aggregate classification (germline): Pathogenic. Review status: criteria provided, multiple submitters, no conflicts (2 of 4 stars). 3 submissions from 3 submitters: Pathogenic (3). Last evaluated 2025-07-24.

Conditions:
Hereditary spherocytosis type 1. Also called: Spherocytosis type 1; ANK1-Related Spherocytosis. Identifiers: Orphanet 822, MedGen C2674218, MONDO:0008447, OMIM 182900.

Submissions (3):

Revvity Omics, Revvity
Classification: Pathogenic for Hereditary spherocytosis type 1. Last evaluated: 2025-07-24. Review status: criteria provided, single submitter. Criteria: ACMG Guidelines, 2015. Collection method: clinical testing. Allele origin: germline.

Institute of Human Genetics, University of Leipzig Medical Center
Classification: Pathogenic for Hereditary spherocytosis type 1. Last evaluated: 2022-03-08. Review status: criteria provided, single submitter. Criteria: ACMG Guidelines, 2015. Collection method: clinical testing. Allele origin: maternal. Affected: yes.
Comment: _x000D_ Criteria applied: PVS1, PS4_SUP, PM2_SUP

Department of Haematogenetics, ICMR National Institute of Immunohaematology
Classification: Pathogenic for Hereditary spherocytosis type 1. Review status: criteria provided, single submitter. Criteria: ACMG Guidelines, 2015. Collection method: research. Allele origin: inherited. Affected: yes.

NM_000037.4(ANK1):c.382_386del (p.Lys128fs)

Gene: ANK1 (ankyrin 1; minus strand). Cytogenetic location: 8p11.21.
Variant type: Deletion.
Coding change: c.382_386del on transcript NM_000037.4 (MANE Select); coding-DNA positions 382 to 386, 5 bases deleted (AAGTT; older notation c.382_386delAAGTT).
Protein change: p.Lys128fs; shifts the reading frame from lysine 128.
Molecular consequence: frameshift variant.
Genome position (GRCh38, 1-based): chr8:41,727,290-41,727,294, AACTT deleted on the plus strand (AAGTT on the coding strand, the reverse complement: ANK1 is on the minus strand); deleting any 5 consecutive bases within chr8:41,727,290-41,727,297 gives the same sequence; the c. name uses the placement nearest the transcript's 3' end. VCF-style (leftmost placement, unchanged base first): chr8-41727289-AAACTT-A. GRCh37 (hg19) VCF-style: chr8-41584807-AAACTT-A.
Other names: c.481_485del, p.Lys161fs (NM_001142446.2); c.382_386del, p.Lys128fs (NM_020475.3, NM_020476.3, NM_020477.3); short protein forms K128fs, K161fs.
Identifiers: ClinVar variation 1299404 (VCV001299404.3), dbSNP rs2150661824, ClinGen allele CA2499219309.